The following is an entry in ClinVar:

ClinVar aggregate classification (germline): Uncertain significance (1 of 4 stars; one submission).

Submission:

CeGaT Center for Human Genetics Tuebingen
Classification: Uncertain significance. Last evaluated: 2022-05-01. Review status: criteria provided, single submitter. Criteria: CeGaT Center For Human Genetics Tuebingen Variant Classification Criteria Version 2. Collection method: clinical testing. Allele origin: germline. Affected: yes. Observed: 1 variant allele.
Comment: NPRL3: PM2

NM_001077350.3(NPRL3):c.622T>C (p.Tyr208His)

Genes: HBA-LCR (alpha-globin locus control region; plus strand), NPRL3 (NPR3 like, GATOR1 complex subunit; minus strand). Cytogenetic location: 16p13.3.
Variant type: single nucleotide variant.
Coding change: c.622T>C on transcript NM_001077350.3 (MANE Select); coding-DNA position 622, T replaced by C.
Protein change: p.Tyr208His; replaces tyrosine 208 with histidine.
Molecular consequence: missense variant.
Genome position (GRCh38, 1-based): chr16:110,532, A>G on the plus strand (T>C on the coding strand, the complement: NPRL3 is on the minus strand). VCF-style: chr16-110532-A-G. GRCh37 (hg19) VCF-style: chr16-160530-A-G.
Other names: c.85T>C, p.Tyr29His (NM_001039476.3); c.388T>C, p.Tyr130His (NM_001243247.2); c.547T>C, p.Tyr183His (NM_001243248.2, NM_001243249.2); short protein forms Y130H, Y183H, Y208H, Y29H.
Identifiers: ClinVar variation 1694766 (VCV001694766.31), dbSNP rs2141946067, ClinGen allele CA393992677.